The following is an entry in ClinVar:

ClinVar aggregate classification (germline): Uncertain significance. Review status: criteria provided, multiple submitters, no conflicts (2 of 4 stars). 5 submissions from 5 submitters: Uncertain significance (5). Last evaluated 2025-04-09.

Conditions:
Cardiovascular phenotype. Identifiers: MedGen CN230736.
Dilated cardiomyopathy 1AA (CMD1AA). Also called: Cardiomyopathy, dilated, 1AA, with or without LVNC; CARDIOMYOPATHY, DILATED, 1AA, WITH OR WITHOUT LEFT VENTRICULAR NONCOMPACTION; CARDIOMYOPATHY, FAMILIAL HYPERTROPHIC, 23, WITH OR WITHOUT LEFT VENTRICULAR NONCOMPACTION. Identifiers: Orphanet 154, MedGen C2677338, MONDO:0012808, OMIM 612158.
Primary familial hypertrophic cardiomyopathy (HCM). Identifiers: Orphanet 99739, MedGen C0949658, MeSH D024741, MONDO:0024573. Inheritance: Various modes of inheritance.

Allele frequency attached by ClinVar (database versions not stated): gnomAD 0.00001; gnomAD exomes 0.00001; TOPMed 0.00001.
gnomAD v4.1: 5 of 1,613,934 alleles (0.00031%); highest among the groups gnomAD compares: Non-Finnish European, 0.00042%; no homozygotes.

Submissions (5):

Molecular Diagnostic Laboratory for Inherited Cardiovascular Disease, Montreal Heart Institute
Classification: Uncertain significance for Cardiovascular phenotype. Last evaluated: 2025-04-09. Review status: criteria provided, single submitter. Criteria: ACMG Guidelines, 2015. Collection method: clinical testing. Allele origin: germline. Affected: yes.

Blueprint Genetics
Classification: Uncertain significance. Last evaluated: 2024-10-14. Review status: criteria provided, single submitter. Criteria: ACMG Guidelines, 2015. Collection method: clinical testing. Allele origin: germline.

Labcorp Genetics (formerly Invitae), Labcorp
Classification: Uncertain significance for Primary familial hypertrophic cardiomyopathy; Dilated cardiomyopathy 1AA. Last evaluated: 2024-05-15. Review status: criteria provided, single submitter. Criteria: Invitae Variant Classification Sherloc (09022015). Collection method: clinical testing. Allele origin: germline.
Comment: This sequence change replaces asparagine, which is neutral and polar, with aspartic acid, which is acidic and polar, at codon 236 of the ACTN2 protein (p.Asn236Asp). This variant is not present in population databases (gnomAD no frequency). This variant has not been reported in the literature in individuals affected with ACTN2-related conditions. ClinVar contains an entry for this variant (Variation ID: 506281). Advanced modeling of protein sequence and biophysical properties (such as structural, functional, and spatial information, amino acid conservation, physicochemical variation, residue mobility, and thermodynamic stability) performed at Invitae indicates that this missense variant is not expected to disrupt ACTN2 protein function with a negative predictive value of 80%. In summary, the available evidence is currently insufficient to determine the role of this variant in disease. Therefore, it has been classified as a Variant of Uncertain Significance.

Ambry Genetics
Classification: Uncertain significance for Cardiovascular phenotype. Last evaluated: 2024-04-27. Review status: criteria provided, single submitter. Criteria: Ambry Variant Classification Scheme 2023. Collection method: clinical testing. Allele origin: germline.

Laboratory for Molecular Medicine, Mass General Brigham Personalized Medicine
Classification: Uncertain significance. Last evaluated: 2018-02-02. Review status: criteria provided, single submitter. Criteria: LMM Criteria. Collection method: clinical testing. Allele origin: germline. Observed: 2 variant alleles.
Comment: The p.Asn236Asp variant in ACTN2 has not been previously reported in individuals with cardiomyopathy and was absent from large population studies. Computational prediction tools and conservation analysis do not provide strong support for or against an impact to the protein. In summary, the clinical significance of the p.Asn236Asp variant is uncertain. ACMG/AMP Criteria applied: PM2.

NM_001103.4(ACTN2):c.706A>G (p.Asn236Asp)

Gene: ACTN2 (actinin alpha 2; plus strand). Cytogenetic location: 1q43.
Variant type: single nucleotide variant.
Coding change: c.706A>G on transcript NM_001103.4 (MANE Select); coding-DNA position 706, A replaced by G.
Protein change: p.Asn236Asp; replaces asparagine 236 with aspartic acid.
Molecular consequence: missense variant. On other transcripts: 5 prime UTR variant (1), intron variant (1).
Genome position (GRCh38, 1-based): chr1:236,735,643, A>G. VCF-style: chr1-236735643-A-G. GRCh37 (hg19) VCF-style: chr1-236898943-A-G.
Other names: c.706A>G (NM_001103.3); c.-30A>G (NM_001278344.2); c.783+1125A>G (NM_001278343.2); short protein forms N236D.
Identifiers: ClinVar variation 506281 (VCV000506281.12), dbSNP rs1193355360, ClinGen allele CA345377297.